The following is an entry in ClinVar:

ClinVar aggregate classification (germline): Uncertain significance (1 of 4 stars; one submission).

Submission:

Labcorp Genetics (formerly Invitae), Labcorp
Classification: Uncertain significance. Last evaluated: 2021-08-11. Review status: criteria provided, single submitter. Criteria: Invitae Variant Classification Sherloc (09022015). Collection method: clinical testing. Allele origin: germline.
Comment: This sequence change replaces alanine with proline at codon 83 of the CABP4 protein (p.Ala83Pro). The alanine residue is weakly conserved and there is a small physicochemical difference between alanine and proline. This variant is present in population databases (rs763071394, ExAC 0.002%). This variant has not been reported in the literature in individuals affected with CABP4-related conditions. Advanced modeling of protein sequence and biophysical properties (such as structural, functional, and spatial information, amino acid conservation, physicochemical variation, residue mobility, and thermodynamic stability) performed at Invitae indicates that this missense variant is not expected to disrupt CABP4 protein function. In summary, the available evidence is currently insufficient to determine the role of this variant in disease. Therefore, it has been classified as a Variant of Uncertain Significance.

NM_145200.5(CABP4):c.247G>C (p.Ala83Pro)

Gene: CABP4 (calcium binding protein 4; plus strand). Cytogenetic location: 11q13.2.
Variant type: single nucleotide variant.
Coding change: c.247G>C on transcript NM_145200.5 (MANE Select); coding-DNA position 247, G replaced by C.
Protein change: p.Ala83Pro; replaces alanine 83 with proline.
Molecular consequence: missense variant. On other transcripts: 5 prime UTR variant (2), non-coding transcript variant (1), intron variant (1).
Genome position (GRCh38, 1-based): chr11:67,455,670, G>C. VCF-style: chr11-67455670-G-C. GRCh37 (hg19) VCF-style: chr11-67223141-G-C.
Other names: c.-137G>C (NM_001300895.3); c.-151G>C (NM_001379183.1); c.-112-39G>C (NM_001300896.3); short protein forms A83P.
Identifiers: ClinVar variation 1431577 (VCV001431577.3), dbSNP rs763071394, ClinGen allele CA6140110.